The following is an entry in ClinVar:

ClinVar aggregate classification (germline): Uncertain significance. Review status: criteria provided, multiple submitters, no conflicts (2 of 4 stars). 2 submissions from 2 submitters: Uncertain significance (2). Last evaluated 2026-04-21.

Conditions:
Fraser syndrome 1 (FRASRS1). Also called: CRYPTOPHTHALMOS WITH OTHER MALFORMATIONS. Identifiers: Orphanet 2052, MedGen C4551480, MONDO:0054737, OMIM 219000.
FRAS1-related disorder. Also called: FRAS1-related condition.

gnomAD v4.1: 90 of 1,613,698 alleles (0.0056%); highest among the groups gnomAD compares: East Asian, 0.04%; no homozygotes.

Submissions (2):

PreventionGenetics, part of Exact Sciences
Classification: Uncertain significance for FRAS1-related condition. Last evaluated: 2026-04-21. Review status: criteria provided, single submitter. Criteria: ACMG Guidelines, 2015. Collection method: clinical testing. Allele origin: germline.
Comment: The FRAS1 c.8884G>A variant is predicted to result in the amino acid substitution p.Ala2962Thr. To our knowledge, this variant has not been reported in the literature. This variant is reported in 0.020% of alleles in individuals of South Asian descent in gnomAD. At this time, the clinical significance of this variant is uncertain due to the absence of conclusive functional and genetic evidence.

Fulgent Genetics
Classification: Uncertain significance for Fraser syndrome 1. Last evaluated: 2024-04-09. Review status: criteria provided, single submitter. Criteria: ACMG Guidelines, 2015. Collection method: clinical testing. Allele origin: germline.

NM_025074.7(FRAS1):c.8884G>A (p.Ala2962Thr)

Gene: FRAS1 (Fraser extracellular matrix complex subunit 1; plus strand). Cytogenetic location: 4q21.21.
Variant type: single nucleotide variant.
Coding change: c.8884G>A on transcript NM_025074.7 (MANE Select); coding-DNA position 8884, G replaced by A.
Protein change: p.Ala2962Thr; replaces alanine 2962 with threonine.
Molecular consequence: missense variant.
Genome position (GRCh38, 1-based): chr4:78,489,006, G>A. VCF-style: chr4-78489006-G-A. GRCh37 (hg19) VCF-style: chr4-79410160-G-A.
Other names: c.8884G>A (NM_025074.6); short protein forms A2962T.
Identifiers: ClinVar variation 3591146 (VCV003591146.2).